The following is an entry in ClinVar:

ClinVar aggregate classification (germline): Likely benign (0 of 4 stars; one submission).

Conditions:
ATM-related disorder. Also called: ATM-related disorders; ATM-related condition.

Submission:

PreventionGenetics, part of Exact Sciences
Classification: Likely benign for ATM-related condition. Last evaluated: 2019-10-16. Review status: no assertion criteria provided. Collection method: clinical testing. Allele origin: germline.
Comment: This variant is classified as likely benign based on ACMG/AMP sequence variant interpretation guidelines (Richards et al. 2015 PMID: 25741868, with internal and published modifications).

NM_000051.4(ATM):c.1236-409C>G

Gene: ATM (ATM serine/threonine kinase; plus strand). Cytogenetic location: 11q22.3.
Variant type: single nucleotide variant.
Coding change: c.1236-409C>G on transcript NM_000051.4 (MANE Select); 409 bases into the intron before coding-DNA position 1236, C replaced by G.
Molecular consequence: intron variant.
Genome position (GRCh38, 1-based): chr11:108,250,292, C>G. VCF-style: chr11-108250292-C-G. GRCh37 (hg19) VCF-style: chr11-108121019-C-G.
Other names: c.1236-409C>G (NM_001351834.2).
Identifiers: ClinVar variation 3045776 (VCV003045776.2), dbSNP rs1368737559, ClinGen allele CA671373455.
Genomic context (GRCh38, chr11:108,250,292, plus strand): 5'-AACCTCCACCTCCCAGGTTCAAGCAGTTATCCTGCCTCAGCGTCCTGAGTAGCTGGGATT[C>G]CAGGCATGTGCCACCATGCCCGGCTAATTTTTGTATTTTTAGTAGAGACTGGGTTTCACC-3'